The following is an entry in ClinVar:

NM_000321.3(RB1):c.1695+8G>A

Gene: RB1 (RB transcriptional corepressor 1; plus strand). Cytogenetic location: 13q14.2.
Variant type: single nucleotide variant.
Coding change: c.1695+8G>A on transcript NM_000321.3 (MANE Select); 8 bases into the intron after coding-DNA position 1695, G replaced by A.
Molecular consequence: intron variant. On other transcripts: missense variant (1).
Genome position (GRCh38, 1-based): chr13:48,381,451, G>A. VCF-style: chr13-48381451-G-A. GRCh37 (hg19) VCF-style: chr13-48955587-G-A.
Other names: c.1703G>A, p.Ser568Asn (NM_001407166.1); c.1695+8G>A (NM_001407165.1); short protein forms S568N.
Identifiers: ClinVar variation 4875970 (VCV004875970.1).

ClinVar aggregate classification (germline): Likely benign (1 of 4 stars; one submission).

Conditions:
Retinoblastoma (RB1). Also called: RETINOBLASTOMA, SOMATIC. Identifiers: Orphanet 790, MedGen C0035335, MeSH D012175, MONDO:0008380, OMIM 180200, HP:0009919. Disease mechanism: loss of function. Inheritance: Both sporadic and heritable forms are tested..

gnomAD v4.1: 1 of 1,612,648 alleles (0.000062%); highest among the groups gnomAD compares: South Asian, 0.0011%; no homozygotes.

Submission:

Myriad Genetics, Inc.
Classification: Likely benign for Retinoblastoma. Last evaluated: 2026-06-18. Review status: criteria provided, single submitter. Criteria: Myriad Autosomal Dominant, Autosomal Recessive and X-Linked Classification Criteria (2023). Collection method: clinical testing. Allele origin: unknown.
Comment: This variant is considered likely benign. This variant is intronic and is not expected to impact mRNA splicing.